The following is an entry in ClinVar:

ClinVar aggregate classification (germline): Uncertain significance (1 of 4 stars; one submission).

Conditions:
Cystic fibrosis (CF). Also called: MUCOVISCIDOSIS. Identifiers: Orphanet 586, MedGen C0010674, MONDO:0009061, OMIM 219700. Disease mechanism: loss of function.

Submission:

Ambry Genetics
Classification: Uncertain significance for Cystic fibrosis. Last evaluated: 2021-11-07. Review status: criteria provided, single submitter. Criteria: Ambry Variant Classification Scheme 2023. Collection method: clinical testing. Allele origin: germline.
Comment: The p.V302E variant (also known as c.905T>A), located in coding exon 8 of the CFTR gene, results from a T to A substitution at nucleotide position 905. The valine at codon 302 is replaced by glutamic acid, an amino acid with dissimilar properties. This amino acid position is conserved. In addition, this alteration is predicted to be deleterious by in silico analysis. Since supporting evidence is limited at this time, the clinical significance of this alteration remains unclear.

NM_000492.4(CFTR):c.905T>A (p.Val302Glu)

Gene: CFTR (CF transmembrane conductance regulator; plus strand). Cytogenetic location: 7q31.2.
Variant type: single nucleotide variant.
Coding change: c.905T>A on transcript NM_000492.4 (MANE Select); coding-DNA position 905, T replaced by A.
Protein change: p.Val302Glu; replaces valine 302 with glutamic acid.
Molecular consequence: missense variant.
Genome position (GRCh38, 1-based): chr7:117,540,135, T>A. VCF-style: chr7-117540135-T-A. GRCh37 (hg19) VCF-style: chr7-117180189-T-A.
Other names: short protein forms V302E.
Identifiers: ClinVar variation 1765627 (VCV001765627.2), dbSNP rs1799024196, ClinGen allele CA368978061.